The following is an entry in ClinVar:

NM_138295.5(PKD1L1):c.6986del (p.Gly2329fs)

Genes: PKD1L1 (polycystin 1 like 1, transient receptor potential channel interacting; minus strand), PKD1L1-AS1 (PKD1L1 antisense RNA 1; plus strand). Cytogenetic location: 7p12.3.
Variant type: Deletion.
Coding change: c.6986del on transcript NM_138295.5 (MANE Select); coding-DNA position 6986, one base deleted (G; older notation c.6986delG).
Protein change: p.Gly2329fs; shifts the reading frame from glycine 2329.
Molecular consequence: frameshift variant.
Genome position (GRCh38, 1-based): chr7:47,815,437, C deleted on the plus strand (G on the coding strand, the reverse complement: PKD1L1 is on the minus strand); the first of 3 consecutive C bases (chr7:47,815,437-47,815,439); deleting any one gives the same sequence. VCF-style (leftmost placement, unchanged base first): chr7-47815436-AC-A. GRCh37 (hg19) VCF-style: chr7-47855034-AC-A.
Other names: short protein forms G2329fs.
Identifiers: ClinVar variation 3346145 (VCV003346145.1).

ClinVar aggregate classification (germline): Likely pathogenic (0 of 4 stars; one submission).

Conditions:
PKD1L1-related disorder. Also called: PKD1L1-related condition.

Submission:

PreventionGenetics, part of Exact Sciences
Classification: Likely pathogenic for PKD1L1-related condition. Last evaluated: 2024-08-23. Review status: no assertion criteria provided. Collection method: clinical testing. Allele origin: germline.
Comment: The PKD1L1 c.6986delG variant is predicted to result in a frameshift and premature protein termination (p.Gly2329Valfs*3). To our knowledge, this variant has not been reported in the literature or in a large population database, indicating this variant is rare. Frameshift variants in PKD1L1 are expected to be pathogenic. This variant is interpreted as likely pathogenic.